The following is an entry in ClinVar:

NM_001370259.2(MEN1):c.451A>G (p.Lys151Glu)

Gene: MEN1 (menin 1; minus strand). Cytogenetic location: 11q13.1.
Variant type: single nucleotide variant.
Coding change: c.451A>G on transcript NM_001370259.2 (MANE Select); coding-DNA position 451, A replaced by G.
Protein change: p.Lys151Glu; replaces lysine 151 with glutamic acid.
Molecular consequence: missense variant.
Genome position (GRCh38, 1-based): chr11:64,808,094, T>C on the plus strand (A>G on the coding strand, the complement: MEN1 is on the minus strand). VCF-style: chr11-64808094-T-C. GRCh37 (hg19) VCF-style: chr11-64575566-T-C.
Other names: c.451A>G, p.Lys151Glu (NM_001370261.2, NM_001370262.2, NM_001370263.2 and 3 more transcripts); c.466A>G, p.Lys156Glu (NM_130800.3, NM_130801.3, NM_130802.3 and 3 more transcripts); short protein forms K156E, K151E.
Identifiers: ClinVar variation 1474393 (VCV001474393.6), dbSNP rs2136159555, ClinGen allele CA381186329.

ClinVar aggregate classification (germline): Uncertain significance (1 of 4 stars; one submission).

Conditions:
Multiple endocrine neoplasia, type 1 (MEN1). Also called: MEN I; WERMER SYNDROME; Endocrine adenomatosis multiple; MEN 1; MEA I. Identifiers: Orphanet 652, MedGen C0025267, MeSH D018761, MONDO:0007540, OMIM 131100.

Submission:

Labcorp Genetics (formerly Invitae), Labcorp
Classification: Uncertain significance for Multiple endocrine neoplasia, type 1. Last evaluated: 2022-01-28. Review status: criteria provided, single submitter. Criteria: Invitae Variant Classification Sherloc (09022015). Collection method: clinical testing. Allele origin: germline.
Comment: This variant has not been reported in the literature in individuals affected with MEN1-related conditions. Advanced modeling of protein sequence and biophysical properties (such as structural, functional, and spatial information, amino acid conservation, physicochemical variation, residue mobility, and thermodynamic stability) performed at Invitae indicates that this missense variant is expected to disrupt MEN1 protein function. In summary, the available evidence is currently insufficient to determine the role of this variant in disease. Therefore, it has been classified as a Variant of Uncertain Significance. This sequence change replaces lysine, which is basic and polar, with glutamic acid, which is acidic and polar, at codon 151 of the MEN1 protein (p.Lys151Glu). This variant is not present in population databases (gnomAD no frequency).